The following is an entry in ClinVar:

NM_022464.5(SIL1):c.1138G>A (p.Glu380Lys)

Gene: SIL1 (SIL1 nucleotide exchange factor; minus strand). Cytogenetic location: 5q31.2.
Variant type: single nucleotide variant.
Coding change: c.1138G>A on transcript NM_022464.5 (MANE Select); coding-DNA position 1138, G replaced by A.
Protein change: p.Glu380Lys; replaces glutamic acid 380 with lysine.
Molecular consequence: missense variant.
Genome position (GRCh38, 1-based): chr5:138,947,365, C>T on the plus strand (G>A on the coding strand, the complement: SIL1 is on the minus strand). VCF-style: chr5-138947365-C-T. GRCh37 (hg19) VCF-style: chr5-138283054-C-T.
Other names: c.1138G>A, p.Glu380Lys (NM_001037633.2); short protein forms E380K.
Identifiers: ClinVar variation 1423817 (VCV001423817.3), dbSNP rs769367813, ClinGen allele CA3432364.
Genomic context (GRCh38, chr5:138,947,365, plus strand): 5'-TCTGCAGCACCTTCTCACGGGCATCATGCTCGGGCAGCGCCAGGAGGTGGGCCGTGATCT[C>T]GCACCAGCCCTGTTCCCACAGGCCTGGCAGGAGGTGTACCTGGCGATACTGCTGCAGCTT-3'
Protein context (NP_071909.1, residues 370-390): LPGLWEQGWC[Glu380Lys]ITAHLLALPE

ClinVar aggregate classification (germline): Uncertain significance (1 of 4 stars; one submission).

Conditions:
Marinesco-Sjögren syndrome (MSS). Also called: Marinesco-SjÃ¶gren syndrome; Marinesco-Sjogren Syndrome. Identifiers: Orphanet 559, MedGen C0024814, MONDO:0009567, OMIM 248800.

Allele frequency attached by ClinVar (database versions not stated): ExAC 0.00002; gnomAD exomes 0.00002; gnomAD 0.00003; TOPMed 0.00003.
gnomAD v4.1: 33 of 1,613,586 alleles (0.002%); highest among the groups gnomAD compares: African/African-American, 0.0027%; no homozygotes.

Submission:

Labcorp Genetics (formerly Invitae), Labcorp
Classification: Uncertain significance for Marinesco-Sjögren syndrome. Last evaluated: 2022-07-06. Review status: criteria provided, single submitter. Criteria: Invitae Variant Classification Sherloc (09022015). Collection method: clinical testing. Allele origin: germline.
Comment: In summary, the available evidence is currently insufficient to determine the role of this variant in disease. Therefore, it has been classified as a Variant of Uncertain Significance. Algorithms developed to predict the effect of missense changes on protein structure and function (SIFT, PolyPhen-2, Align-GVGD) all suggest that this variant is likely to be tolerated. ClinVar contains an entry for this variant (Variation ID: 1423817). This variant has not been reported in the literature in individuals affected with SIL1-related conditions. This variant is present in population databases (rs769367813, gnomAD 0.007%). This sequence change replaces glutamic acid, which is acidic and polar, with lysine, which is basic and polar, at codon 380 of the SIL1 protein (p.Glu380Lys).